The following is an entry in ClinVar:

ClinVar aggregate classification (germline): Likely pathogenic (1 of 4 stars; one submission).

Conditions:
Cornelia de Lange syndrome 1 (CDLS1). Also called: Brachmann de Lange syndrome; NIPBL-Related Cornelia de Lange Syndrome; TYPUS DEGENERATIVUS AMSTELODAMENSIS. Identifiers: Orphanet 199, MedGen C4551851, MONDO:0007387, OMIM 122470.

Submission:

Labcorp Genetics (formerly Invitae), Labcorp
Classification: Likely pathogenic for Cornelia de Lange syndrome 1. Last evaluated: 2022-06-16. Review status: criteria provided, single submitter. Criteria: Invitae Variant Classification Sherloc (09022015). Collection method: clinical testing. Allele origin: germline.
Comment: This variant is not present in population databases (gnomAD no frequency). This sequence change replaces aspartic acid, which is acidic and polar, with glutamic acid, which is acidic and polar, at codon 1822 of the NIPBL protein (p.Asp1822Glu). This variant has not been reported in the literature in individuals affected with NIPBL-related conditions. In summary, the currently available evidence indicates that the variant is pathogenic, but additional data are needed to prove that conclusively. Therefore, this variant has been classified as Likely Pathogenic. This variant disrupts the p.Asp1822 amino acid residue in NIPBL. Other variant(s) that disrupt this residue have been determined to be pathogenic (PMID: 28425213; Invitae). This suggests that this residue is clinically significant, and that variants that disrupt this residue are likely to be disease-causing. Advanced modeling of protein sequence and biophysical properties (such as structural, functional, and spatial information, amino acid conservation, physicochemical variation, residue mobility, and thermodynamic stability) performed at Invitae indicates that this missense variant is expected to disrupt NIPBL protein function.

Literature cited by the submitters: PubMed 28425213.

NM_133433.4(NIPBL):c.5466T>G (p.Asp1822Glu)

Gene: NIPBL (NIPBL cohesin loading factor; plus strand). Cytogenetic location: 5p13.2.
Variant type: single nucleotide variant.
Coding change: c.5466T>G on transcript NM_133433.4 (MANE Select); coding-DNA position 5466, T replaced by G.
Protein change: p.Asp1822Glu; replaces aspartic acid 1822 with glutamic acid.
Molecular consequence: missense variant.
Genome position (GRCh38, 1-based): chr5:37,022,282, T>G. VCF-style: chr5-37022282-T-G. GRCh37 (hg19) VCF-style: chr5-37022384-T-G.
Other names: c.5466T>G, p.Asp1822Glu (NM_015384.5); short protein forms D1822E.
Identifiers: ClinVar variation 2002082 (VCV002002082.4), dbSNP rs2478340497, ClinGen allele CA359490281.